The following is an entry in ClinVar:

NM_001563.4(IMPG1):c.422G>C (p.Gly141Ala)

Gene: IMPG1 (interphotoreceptor matrix proteoglycan 1; minus strand). Cytogenetic location: 6q14.1.
Variant type: single nucleotide variant.
Coding change: c.422G>C on transcript NM_001563.4 (MANE Select); coding-DNA position 422, G replaced by C.
Protein change: p.Gly141Ala; replaces glycine 141 with alanine.
Molecular consequence: missense variant.
Genome position (GRCh38, 1-based): chr6:76,034,667, C>G on the plus strand (G>C on the coding strand, the complement: IMPG1 is on the minus strand). VCF-style: chr6-76034667-C-G. GRCh37 (hg19) VCF-style: chr6-76744384-C-G.
Other names: c.422G>C (NM_001563.2); c.188G>C, p.Gly63Ala (NM_001282368.2); short protein forms G63A, G141A.
Identifiers: ClinVar variation 1907507 (VCV001907507.7), dbSNP rs766933633, ClinGen allele CA3898537.

ClinVar aggregate classification (germline): Uncertain significance. Review status: criteria provided, multiple submitters, no conflicts (2 of 4 stars). 3 submissions from 3 submitters: Uncertain significance (3). Last evaluated 2025-12-04.

Allele frequency attached by ClinVar (database versions not stated): ExAC 0.00001; gnomAD exomes 0.00001; TOPMed 0.00001.
gnomAD v4.1: 5 of 1,614,116 alleles (0.00031%); highest among the groups gnomAD compares: Admixed American, 0.0067%; no homozygotes.

Submissions (3):

Ambry Genetics
Classification: Uncertain significance. Last evaluated: 2025-12-04. Review status: criteria provided, single submitter. Criteria: Ambry Variant Classification Scheme 2023. Collection method: clinical testing. Allele origin: germline.

Labcorp Genetics (formerly Invitae), Labcorp
Classification: Uncertain significance. Last evaluated: 2025-09-10. Review status: criteria provided, single submitter. Criteria: Invitae Variant Classification Sherloc (09022015). Collection method: clinical testing. Allele origin: germline.
Comment: This sequence change replaces glycine, which is neutral and non-polar, with alanine, which is neutral and non-polar, at codon 141 of the IMPG1 protein (p.Gly141Ala). This variant is present in population databases (rs766933633, gnomAD 0.01%). This variant has not been reported in the literature in individuals affected with IMPG1-related conditions. ClinVar contains an entry for this variant (Variation ID: 1907507). An algorithm developed to predict the effect of missense changes on protein structure and function (PolyPhen-2) suggests that this variant is likely to be disruptive. In summary, the available evidence is currently insufficient to determine the role of this variant in disease. Therefore, it has been classified as a Variant of Uncertain Significance.

Blueprint Genetics
Classification: Uncertain significance. Last evaluated: 2022-01-06. Review status: criteria provided, single submitter. Criteria: ACMG Guidelines, 2015. Collection method: clinical testing. Allele origin: germline.